The following is an entry in ClinVar:

NM_001372.4(DNAH9):c.11406+1G>A

Gene: DNAH9 (dynein axonemal heavy chain 9; plus strand). Cytogenetic location: 17p12.
Variant type: single nucleotide variant.
Coding change: c.11406+1G>A on transcript NM_001372.4 (MANE Select); the canonical splice donor site of the intron after coding-DNA position 11406, G replaced by A.
Molecular consequence: splice donor variant.
Genome position (GRCh38, 1-based): chr17:11,894,497, G>A. VCF-style: chr17-11894497-G-A. GRCh37 (hg19) VCF-style: chr17-11797814-G-A.
Other names: c.342+1G>A (NM_004662.2).
Identifiers: ClinVar variation 3006288 (VCV003006288.3), dbSNP rs536602504, ClinGen allele CA8397821.
Genomic context (GRCh38, chr17:11,894,497, plus strand): 5'-CAGACGGGCACCGCCAGCCCCGTGGAGTTCCTCTCCCATCAGGCGTGGGGAGCTGTCAAG[G>A]TCAGTATTGACCCCTAGAAAAAAGCCAAGCTCTCATCTCTCAGAATTTACCTCTGACACT-3'

ClinVar aggregate classification (germline): Likely pathogenic (1 of 4 stars; one submission).

Allele frequency attached by ClinVar (database versions not stated): ExAC 0.00001.
gnomAD v4.1: 30 of 1,613,986 alleles (0.0019%); highest among the groups gnomAD compares: Non-Finnish European, 0.0025%; no homozygotes.

Submission:

Labcorp Genetics (formerly Invitae), Labcorp
Classification: Likely pathogenic. Last evaluated: 2025-09-21. Review status: criteria provided, single submitter. Criteria: Invitae Variant Classification Sherloc (09022015). Collection method: clinical testing. Allele origin: germline.
Comment: This sequence change affects a donor splice site in intron 59 of the DNAH9 gene. It is expected to disrupt RNA splicing. Variants that disrupt the donor or acceptor splice site typically lead to a loss of protein function (PMID: 16199547), and loss-of-function variants in DNAH9 are known to be pathogenic (PMID: 30471718). This variant is present in population databases (rs536602504, gnomAD 0.003%). This variant has not been reported in the literature in individuals affected with DNAH9-related conditions. ClinVar contains an entry for this variant (Variation ID: 3006288). Algorithms developed to predict the effect of sequence changes on RNA splicing suggest that this variant may disrupt the consensus splice site. In summary, the currently available evidence indicates that the variant is pathogenic, but additional data are needed to prove that conclusively. Therefore, this variant has been classified as Likely Pathogenic.

Literature cited by the submitters: PubMed 16199547; PubMed 30471718.